The following is an entry in ClinVar:

NC_000002.11:g.(?_55558401)_(55561804_?)del

Gene: CCDC88A (coiled-coil domain containing 88A; minus strand). Cytogenetic location: 2p16.1.
Variant type: Deletion.
Identifiers: ClinVar variation 1515417 (VCV001515417.5).

ClinVar aggregate classification (germline): Likely pathogenic (1 of 4 stars; one submission).

Submission:

Labcorp Genetics (formerly Invitae), Labcorp
Classification: Likely pathogenic. Last evaluated: 2022-08-31. Review status: criteria provided, single submitter. Criteria: Invitae Variant Classification Sherloc (09022015). Collection method: clinical testing. Allele origin: germline.
Comment: This variant has not been reported in the literature in individuals affected with CCDC88A-related conditions. This variant results in the deletion of exon 16 and part of exon 15 (c.2153_2855+1301del) of the CCDC88A gene. It is expected to disrupt RNA splicing. Variants that disrupt the donor or acceptor splice site typically lead to a loss of protein function (PMID: 16199547), and loss-of-function variants in CCDC88A are known to be pathogenic (PMID: 26917597, 30392057). In summary, the currently available evidence indicates that the variant is pathogenic, but additional data are needed to prove that conclusively. Therefore, this variant has been classified as Likely Pathogenic.

Literature cited by the submitters: PubMed 16199547; PubMed 26917597; PubMed 30392057.